The following is an entry in ClinVar:

NM_024675.4(PALB2):c.522A>G (p.Lys174=)

Gene: PALB2 (partner and localizer of BRCA2; minus strand). Cytogenetic location: 16p12.2.
Variant type: single nucleotide variant.
Coding change: c.522A>G on transcript NM_024675.4 (MANE Select); coding-DNA position 522, A replaced by G.
Protein change: p.Lys174=; no amino-acid change (lysine 174 retained).
Molecular consequence: synonymous variant.
Genome position (GRCh38, 1-based): chr16:23,636,024, T>C on the plus strand (A>G on the coding strand, the complement: PALB2 is on the minus strand). VCF-style: chr16-23636024-T-C. GRCh37 (hg19) VCF-style: chr16-23647345-T-C.
Identifiers: ClinVar variation 530244 (VCV000530244.13), dbSNP rs1555461754, ClinGen allele CA494461848.

ClinVar aggregate classification (germline): Benign/Likely benign. Review status: criteria provided, multiple submitters, no conflicts (2 of 4 stars). 3 submissions from 3 submitters: Benign (1); Likely benign (2). Last evaluated 2025-08-03.

Conditions:
Hereditary cancer-predisposing syndrome. Also called: Hereditary neoplastic syndrome; Neoplastic Syndromes, Hereditary; Hereditary Cancer Syndrome; Tumor predisposition. Identifiers: Orphanet 140162, MedGen C0027672, MeSH D009386, MONDO:0015356.
Familial cancer of breast. Also called: BREAST CANCER, FAMILIAL; Hereditary breast cancer; hereditary breast carcinoma. Identifiers: Orphanet 227535, MedGen C0346153, MONDO:0016419, OMIM 114480. Disease mechanism: loss of function.

Allele frequency attached by ClinVar (database versions not stated): gnomAD exomes below 0.00001.
gnomAD v4.1: 2 of 1,614,150 alleles (0.00012%); highest among the groups gnomAD compares: Non-Finnish European, 0.00017%; no homozygotes.

Submissions (3):

Labcorp Genetics (formerly Invitae), Labcorp
Classification: Likely benign for Familial cancer of breast. Last evaluated: 2025-08-03. Review status: criteria provided, single submitter. Criteria: Invitae Variant Classification Sherloc (09022015). Collection method: clinical testing. Allele origin: germline.

Myriad Genetics, Inc.
Classification: Benign for Familial cancer of breast. Last evaluated: 2025-01-10. Review status: criteria provided, single submitter. Criteria: Myriad Autosomal Dominant, Autosomal Recessive and X-Linked Classification Criteria (2023). Collection method: clinical testing. Allele origin: unknown.
Comment: This variant is considered benign. This variant is a silent/synonymous amino acid change and it is not expected to impact splicing.

Ambry Genetics
Classification: Likely benign for Hereditary cancer-predisposing syndrome. Last evaluated: 2015-11-05. Review status: criteria provided, single submitter. Criteria: Ambry Variant Classification Scheme 2023. Collection method: clinical testing. Allele origin: germline.